The following is an entry in ClinVar:

ClinVar aggregate classification (germline): Uncertain significance (1 of 4 stars; one submission).

Conditions:
Hereditary cancer-predisposing syndrome. Also called: Tumor predisposition; Hereditary neoplastic syndrome; Hereditary Cancer Syndrome; Neoplastic Syndromes, Hereditary. Identifiers: Orphanet 140162, MedGen C0027672, MeSH D009386, MONDO:0015356.

Submission:

Ambry Genetics
Classification: Uncertain significance for Hereditary cancer-predisposing syndrome. Last evaluated: 2025-05-25. Review status: criteria provided, single submitter. Criteria: Ambry Variant Classification Scheme 2023. Collection method: clinical testing. Allele origin: germline.
Comment: The p.P643L variant (also known as c.1928C>T), located in coding exon 15 of the SDHA gene, results from a C to T substitution at nucleotide position 1928. The proline at codon 643 is replaced by leucine, an amino acid with similar properties. This amino acid position is conserved. In addition, this alteration is predicted to be deleterious by in silico analysis. Based on the available evidence, the clinical significance of this variant remains unclear.

NM_004168.4(SDHA):c.1928C>T (p.Pro643Leu)

Gene: SDHA (succinate dehydrogenase complex flavoprotein subunit A; plus strand). Cytogenetic location: 5p15.33.
Variant type: single nucleotide variant.
Coding change: c.1928C>T on transcript NM_004168.4 (MANE Select); coding-DNA position 1928, C replaced by T.
Protein change: p.Pro643Leu; replaces proline 643 with leucine.
Molecular consequence: missense variant.
Genome position (GRCh38, 1-based): chr5:256,353, C>T. VCF-style: chr5-256353-C-T. GRCh37 (hg19) VCF-style: chr5-256468-C-T.
Other names: c.1784C>T, p.Pro595Leu (NM_001294332.2); c.1685C>T, p.Pro562Leu (NM_001330758.2); short protein forms P562L, P643L, P595L.
Identifiers: ClinVar variation 3951356 (VCV003951356.1).
Genomic context (GRCh38, chr5:256,353, plus strand): 5'-ACATTTTTGTGCTTAACTTACCACTGACTCTTCTTTTCAAGGTCACTCTGGAATATAGAC[C>T]CGTGATCGACAAAACTTTGAACGAGGCTGACTGTGCCACCGTCCCGCCAGCCATTCGCTC-3'
Protein context (NP_004159.2, residues 633-653): GTGKVTLEYR[Pro643Leu]VIDKTLNEAD